The following is an entry in ClinVar:

ClinVar aggregate classification (germline): Uncertain significance (1 of 4 stars; one submission).

Submission:

GeneDx
Classification: Uncertain significance. Last evaluated: 2015-12-21. Review status: criteria provided, single submitter. Criteria: GeneDx Variant Classification (06012015). Collection method: clinical testing. Allele origin: germline. Affected: yes.
Comment: This variant is denoted BRCA1 c.-19-17_-19-13delTTTCTinsAA or IVS1-17_IVS1-13delTTTCTinsAA consists of a deletion of five nucleotides and insertion of two nucleotides at the -17 to -13 position in intron 1 of the BRCA1 gene. The normal sequence with the bases that are deleted in braces and those that are inserted in brackets is TGTT[TTTCT][AA]AATG. Multiple in silico models predict this variant to destroy the nearby natural splice acceptor site, and to possibly cause abnormal gene splicing. However, in the absence of RNA or functional studies, the actual effect of this variant is unknown. This intronic variant was not observed in approximately 6,500 individuals of European and African American ancestry in the NHLBI Exome Sequencing Project, indicating it is not a common benign variant in these populations. This variant has not, to our knowledge, been published in the literature as pathogenic or benign. The first two nucleotides that are deleted are conserved; the last three are not. Based on the currently available information, we consider this variant to have uncertain significance.

NM_007294.4(BRCA1):c.-19-17_-19-13delinsAA

Gene: BRCA1 (BRCA1 DNA repair associated; minus strand). Cytogenetic location: 17q21.31.
Variant type: Indel.
Coding change: c.-19-17_-19-13delinsAA on transcript NM_007294.4 (MANE Select); 17 bases into the intron before 19 bases upstream of the start codon through 13 bases into the intron before 19 bases upstream of the start codon, TTTCT replaced by AA.
Molecular consequence: intron variant.
Genome position (GRCh38, 1-based): chr17:43,124,128-43,124,132, AGAAA replaced by TT on the plus strand (TTTCT replaced by AA on the coding strand, the reverse complement: BRCA1 is on the minus strand). VCF-style: chr17-43124128-AGAAA-TT. GRCh37 (hg19) VCF-style: chr17-41276145-AGAAA-TT.
Other names: c.-19-17_-19-13delTTTCTinsAA (NM_007294.3); c.-106-17_-106-13delinsAA (NM_007297.4); c.-19-17_-19-13delinsAA (NM_007299.4, NM_007300.4).
Identifiers: ClinVar variation 246265 (VCV000246265.1), dbSNP rs879254184, ClinGen allele CA10584578.